The following is an entry in ClinVar:

ClinVar aggregate classification (germline): Uncertain significance. Review status: criteria provided, multiple submitters, no conflicts (2 of 4 stars). 2 submissions from 2 submitters: Uncertain significance (2). Last evaluated 2024-08-28.

Allele frequency attached by ClinVar (database versions not stated): gnomAD exomes below 0.00001; gnomAD 0.00001; TOPMed 0.00001.
gnomAD v4.1: 5 of 1,552,694 alleles (0.00032%); highest among the groups gnomAD compares: Middle Eastern, 0.017%; no homozygotes.

Submissions (2):

Labcorp Genetics (formerly Invitae), Labcorp
Classification: Uncertain significance. Last evaluated: 2024-08-28. Review status: criteria provided, single submitter. Criteria: Invitae Variant Classification Sherloc (09022015). Collection method: clinical testing. Allele origin: germline.
Comment: This sequence change falls in intron 4 of the OPA1 gene. It does not directly change the encoded amino acid sequence of the OPA1 protein. It affects a nucleotide within the consensus splice site. This variant is not present in population databases (gnomAD no frequency). This variant has not been reported in the literature in individuals affected with OPA1-related conditions. Variants that disrupt the consensus splice site are a relatively common cause of aberrant splicing (PMID: 17576681, 9536098). Algorithms developed to predict the effect of sequence changes on RNA splicing suggest that this variant is not likely to affect RNA splicing. In summary, the available evidence is currently insufficient to determine the role of this variant in disease. Therefore, it has been classified as a Variant of Uncertain Significance.

Athena Diagnostics
Classification: Uncertain significance. Last evaluated: 2022-12-13. Review status: criteria provided, single submitter. Criteria: Athena Diagnostics Criteria. Collection method: clinical testing. Allele origin: unknown.
Comment: Available data are insufficient to determine the clinical significance of the variant at this time. The frequency of this variant in the general population is uninformative in assessment of its pathogenicity. Computational tools yielded predictions that this variant is unlikely to have an effect on normal RNA splicing.

Literature cited by the submitters: PubMed 17576681 (cited by Labcorp Genetics (formerly Invitae), Labcorp); PubMed 9536098 (cited by Labcorp Genetics (formerly Invitae), Labcorp).

NM_130837.3(OPA1):c.556+3A>G

Gene: OPA1 (OPA1 mitochondrial dynamin like GTPase; plus strand). Cytogenetic location: 3q29.
Variant type: single nucleotide variant.
Coding change: c.556+3A>G on transcript NM_130837.3 (MANE Select); 3 bases into the intron after coding-DNA position 556, A replaced by G.
Molecular consequence: intron variant.
Genome position (GRCh38, 1-based): chr3:193,617,288, A>G. VCF-style: chr3-193617288-A-G. GRCh37 (hg19) VCF-style: chr3-193335077-A-G.
Other names: c.184+3A>G (NM_001354664.2); c.76+1518A>G (NM_001354663.2); c.556+3A>G (NM_130834.3, NM_130836.3, NM_015560.3); c.449-496A>G (NM_130835.3, NM_130832.3); c.448+1518A>G (NM_130833.3, NM_130831.3).
Identifiers: ClinVar variation 2684283 (VCV002684283.3), dbSNP rs1210408290, ClinGen allele CA904544152.
Genomic context (GRCh38, chr3:193,617,288, plus strand): 5'-CCAGACTTTGACAAGATTGTTGAAAGCCTTAGCTTATTGAAGGACTTTTTTACCTCAGGT[A>G]AGGAAGAAGCTGTTTGATCTAATTTAAAAATTTAAGAACCATGGAGGAAAAATACATGGA-3'